The following is an entry in ClinVar:

ClinVar aggregate classification (germline): Uncertain significance (1 of 4 stars; one submission).

Submission:

CeGaT Center for Human Genetics Tuebingen
Classification: Uncertain significance. Last evaluated: 2026-06-01. Review status: criteria provided, single submitter. Criteria: CeGaT Center For Human Genetics Tuebingen Variant Classification Criteria Version 2. Collection method: clinical testing. Allele origin: germline. Affected: yes. Observed: 1 variant allele.
Comment: COL1A1: PM2, BP4

NM_000088.4(COL1A1):c.3987C>G (p.Ser1329Arg)

Gene: COL1A1 (collagen type I alpha 1 chain; minus strand). Cytogenetic location: 17q21.33.
Variant type: single nucleotide variant.
Coding change: c.3987C>G on transcript NM_000088.4 (MANE Select); coding-DNA position 3987, C replaced by G.
Protein change: p.Ser1329Arg; replaces serine 1329 with arginine.
Molecular consequence: missense variant.
Genome position (GRCh38, 1-based): chr17:50,186,335, G>C on the plus strand (C>G on the coding strand, the complement: COL1A1 is on the minus strand). VCF-style: chr17-50186335-G-C. GRCh37 (hg19) VCF-style: chr17-48263696-G-C.
Other names: short protein forms S1329R.
Identifiers: ClinVar variation 4875234 (VCV004875234.2).